The following is an entry in ClinVar:

ClinVar aggregate classification (germline): Pathogenic (1 of 4 stars; one submission).

Conditions:
Bardet-Biedl syndrome 9 (BBS9). Identifiers: Orphanet 110, MedGen C1859567, MONDO:0014437, OMIM 615986.

gnomAD v4.1: 1 of 1,613,074 alleles (0.000062%); highest among the groups gnomAD compares: Non-Finnish European, 0.000085%; no homozygotes.

Submission:

Women's Health and Genetics/Laboratory Corporation of America, LabCorp
Classification: Pathogenic for Bardet-Biedl syndrome 9. Last evaluated: 2026-06-23. Review status: criteria provided, single submitter. Criteria: LabCorp Variant Classification Summary - May 2015. Collection method: clinical testing. Allele origin: germline.
Comment: Variant summary: BBS9 c.965G>A (p.Trp322X) results in a premature termination codon, predicted to cause a truncation of the encoded protein or absence of the protein due to nonsense mediated decay, which are commonly known mechanisms for disease. The variant allele was found at a frequency of 4e-06 in 250884 control chromosomes. c.965G>A has been observed in individual(s) affected with Bardet-Biedl Syndrome (e.g. Gumus_2021). These data indicate that the variant is likely associated with disease. To our knowledge, no experimental evidence demonstrating an impact on protein function has been reported. The following publication has been ascertained in the context of this evaluation (PMID: 32686083). No submitters have cited clinical-significance assessments for this variant to ClinVar. Based on the evidence outlined above, the variant was classified as pathogenic.

Literature cited by the submitters: PubMed 32686083.

NM_198428.3(BBS9):c.965G>A (p.Trp322Ter)

Gene: BBS9 (Bardet-Biedl syndrome 9; plus strand). Cytogenetic location: 7p14.3.
Variant type: single nucleotide variant.
Coding change: c.965G>A on transcript NM_198428.3 (MANE Select); coding-DNA position 965, G replaced by A.
Protein change: p.Trp322Ter; replaces tryptophan 322 with a stop codon.
Molecular consequence: nonsense. On other transcripts: non-coding transcript variant (3).
Genome position (GRCh38, 1-based): chr7:33,273,905, G>A. VCF-style: chr7-33273905-G-A. GRCh37 (hg19) VCF-style: chr7-33313517-G-A.
Other names: c.965G>A, p.Trp322Ter (NM_001033604.2, NM_001033605.2, NM_001348036.1 and 5 more transcripts); c.599G>A, p.Trp200Ter (NM_001348037.3, NM_001348044.3, NM_001348045.3 and 1 more transcripts); c.692G>A, p.Trp231Ter (NM_001348038.3, NM_001348039.3); c.830G>A, p.Trp277Ter (NM_001348042.3); short protein forms W200*, W231*, W277*, W322*.
Identifiers: ClinVar variation 4887747 (VCV004887747.1).
Genomic context (GRCh38, chr7:33,273,905, plus strand): 5'-ATACTTTGATTGGAAATCATAATAACATGCTGCATATTTATCAAGATGTGACACTGAAGT[G>A]GGCCACCCAACTTCCCCACATTCCTGTAGCAGTAAGAGTGGGCTGTTTGCAGTAAGTGAT-3'